The following is an entry in ClinVar:

NM_012309.5(SHANK2):c.699C>T (p.Thr233=)

Gene: SHANK2 (SH3 and multiple ankyrin repeat domains 2; minus strand). Cytogenetic location: 11q13.4.
Variant type: single nucleotide variant.
Coding change: c.699C>T on transcript NM_012309.5 (MANE Select); coding-DNA position 699, C replaced by T.
Protein change: p.Thr233=; no amino-acid change (threonine 233 retained).
Molecular consequence: synonymous variant.
Genome position (GRCh38, 1-based): chr11:71,094,582, G>A on the plus strand (C>T on the coding strand, the complement: SHANK2 is on the minus strand). VCF-style: chr11-71094582-G-A. GRCh37 (hg19) VCF-style: chr11-70805628-G-A.
Other names: c.699C>T, p.Thr233= (NM_001441024.1, NM_001441025.1, NM_001441026.1 and 12 more transcripts); c.627C>T, p.Thr209= (NM_001441038.1).
Identifiers: ClinVar variation 4822026 (VCV004822026.4).
Genomic context (GRCh38, chr11:71,094,582, plus strand): 5'-TGGGCCCGAGTTTACCTTCAGGGCAACTTGGTTCCTCGCTCGGGCAGCTTTGTGTAGGGC[G>A]GTCATCCCATCTTTGGCACGGAAGTCCAGGTGAGCTCCACCATTTTTGAGAGCTTTGATG-3'
Protein context (NP_036441.2, residues 223-243): HLDFRAKDGM[Thr233=]ALHKAARARN

ClinVar aggregate classification (germline): Likely benign (1 of 4 stars; one submission).

gnomAD v4.1: 33 of 1,551,550 alleles (0.0021%); highest among the groups gnomAD compares: East Asian, 0.037%; no homozygotes.

Submission:

CeGaT Center for Human Genetics Tuebingen
Classification: Likely benign. Last evaluated: 2026-08-01. Review status: criteria provided, single submitter. Criteria: CeGaT Center For Human Genetics Tuebingen Variant Classification Criteria Version 2. Collection method: clinical testing. Allele origin: germline. Affected: yes. Observed: 2 variant alleles.
Comment: SHANK2: BP4, BP7